The following is an entry in ClinVar:

ClinVar aggregate classification (germline): Uncertain significance (1 of 4 stars; one submission).

Submission:

Labcorp Genetics (formerly Invitae), Labcorp
Classification: Uncertain significance. Last evaluated: 2023-02-24. Review status: criteria provided, single submitter. Criteria: Invitae Variant Classification Sherloc (09022015). Collection method: clinical testing. Allele origin: germline.
Comment: This sequence change replaces threonine, which is neutral and polar, with isoleucine, which is neutral and non-polar, at codon 171 of the TTBK2 protein (p.Thr171Ile). This variant is not present in population databases (gnomAD no frequency). This variant has not been reported in the literature in individuals affected with TTBK2-related conditions. Advanced modeling of protein sequence and biophysical properties (such as structural, functional, and spatial information, amino acid conservation, physicochemical variation, residue mobility, and thermodynamic stability) has been performed at Invitae for this missense variant, however the output from this modeling did not meet the statistical confidence thresholds required to predict the impact of this variant on TTBK2 protein function. In summary, the available evidence is currently insufficient to determine the role of this variant in disease. Therefore, it has been classified as a Variant of Uncertain Significance.

NM_173500.4(TTBK2):c.512C>T (p.Thr171Ile)

Gene: TTBK2 (tau tubulin kinase 2; minus strand). Cytogenetic location: 15q15.2.
Variant type: single nucleotide variant.
Coding change: c.512C>T on transcript NM_173500.4 (MANE Select); coding-DNA position 512, C replaced by T.
Protein change: p.Thr171Ile; replaces threonine 171 with isoleucine.
Molecular consequence: missense variant.
Genome position (GRCh38, 1-based): chr15:42,827,953, G>A on the plus strand (C>T on the coding strand, the complement: TTBK2 is on the minus strand). VCF-style: chr15-42827953-G-A. GRCh37 (hg19) VCF-style: chr15-43120151-G-A.
Other names: short protein forms T171I.
Identifiers: ClinVar variation 2840592 (VCV002840592.3), dbSNP rs2542448597, ClinGen allele CA392050577.